The following is an entry in ClinVar:

NM_007294.4(BRCA1):c.3448C>T (p.Pro1150Ser)

Genes: BRCA1 (BRCA1 DNA repair associated; minus strand), LOC126862571 (BRD4-independent group 4 enhancer GRCh37_chr17:41243136-41244335; plus strand). Cytogenetic location: 17q21.31.
Variant type: single nucleotide variant.
Coding change: c.3448C>T on transcript NM_007294.4 (MANE Select); coding-DNA position 3448, C replaced by T.
Protein change: p.Pro1150Ser; replaces proline 1150 with serine.
Molecular consequence: missense variant. On other transcripts: intron variant (135).
Genome position (GRCh38, 1-based): chr17:43,092,083, G>A on the plus strand (C>T on the coding strand, the complement: BRCA1 is on the minus strand). VCF-style: chr17-43092083-G-A. GRCh37 (hg19) VCF-style: chr17-41244100-G-A.
Other names: c.3445C>T, p.Pro1149Ser (NM_001407860.1, NM_001407861.1, NM_001407587.1 and 22 more transcripts); c.3247C>T, p.Pro1083Ser (NM_001407862.1); c.3325C>T, p.Pro1109Ser (NM_001407863.1, NM_001407919.1, NM_001407937.1 and 19 more transcripts); c.3244C>T, p.Pro1082Ser (NM_001407874.1, NM_001407875.1); c.3238C>T, p.Pro1080Ser (NM_001407879.1, NM_001407881.1, NM_001407882.1 and 13 more transcripts); c.3235C>T, p.Pro1079Ser (NM_001407894.1, NM_001407895.1, NM_001407896.1 and 9 more transcripts); c.3184C>T, p.Pro1062Ser (NM_001407920.1, NM_001407921.1, NM_001407922.1 and 9 more transcripts); c.3181C>T, p.Pro1061Ser (NM_001407930.1, NM_001407931.1, NM_001407932.1 and 2 more transcripts); and 41 more; short protein forms P1150S, P1103S, P1022S, P1039S, P282S, P1023S, P1038S, P1062S.
Identifiers: ClinVar variation 54887 (VCV000054887.37), dbSNP rs80357272, ClinGen allele CA002228.

ClinVar aggregate classification (germline): Benign. Review status: reviewed by expert panel (3 of 4 stars). 18 submissions from 18 submitters: Benign (1). 17 of the submissions do not count toward it. Last evaluated 2019-06-18.

Conditions:
BRCA1-related disorder. Also called: BRCA1-related condition.
Ovarian cancer. Also called: OVARIAN CANCER, SOMATIC. Identifiers: Orphanet 213500, MedGen C1140680, MONDO:0008170, OMIM 167000.
BRCA1-related cancer predisposition. Identifiers: MedGen CN377757, MONDO:0700268.
Hereditary cancer-predisposing syndrome. Also called: Hereditary Cancer Syndrome; Hereditary neoplastic syndrome; Neoplastic Syndromes, Hereditary; Tumor predisposition. Identifiers: Orphanet 140162, MedGen C0027672, MeSH D009386, MONDO:0015356.
Breast neoplasm. Also called: Neoplasm of the breast; Neoplasm of breast; Breast tumor; Breast Neoplasms. Identifiers: MedGen C1458155, MeSH D001943, MONDO:0021100, HP:0100013. Disease mechanism: gain of function.
Hereditary breast ovarian cancer syndrome. Also called: BRCA1- and BRCA2-Associated Hereditary Breast and Ovarian Cancer; Hereditary breast and ovarian cancer syndrome; Hereditary breast and ovarian cancer syndrome (HBOC); Breast and ovarian cancer; Hereditary breast and/or ovarian cancer syndrome; Hereditary breast and ovarian cancer. Identifiers: Orphanet 145, MedGen C0677776, MeSH D061325, MONDO:0003582. Disease mechanism: loss of function.
Breast-ovarian cancer, familial, susceptibility to, 1 (BROVCA1). Also called: BRCA1 Hereditary Breast and Ovarian Cancer; OVARIAN CANCER, SUSCEPTIBILITY TO. Identifiers: Orphanet 145, MedGen C2676676, MONDO:0011450, OMIM 604370. Disease mechanism: loss of function.
Familial cancer of breast. Also called: hereditary breast carcinoma; BREAST CANCER, FAMILIAL; Hereditary breast cancer. Identifiers: Orphanet 227535, MedGen C0346153, MONDO:0016419, OMIM 114480. Disease mechanism: loss of function.

Allele frequency attached by ClinVar (database versions not stated): TOPMed 0.00005; gnomAD exomes 0.00010 and 0.00003; gnomAD 0.00001 and 0.00005; ExAC 0.00009; 1000 Genomes Project 0.00080; 1000 Genomes Project 30x 0.00109.
gnomAD v4.1: 48 of 1,613,976 alleles (0.003%); highest among the groups gnomAD compares: East Asian, 0.1%; no homozygotes.

Submissions 1 to 11 of 18:

Evidence-based Network for the Interpretation of Germline Mutant Alleles (ENIGMA)
Classification: Benign for Breast-ovarian cancer, familial, susceptibility to, 1. Last evaluated: 2019-06-18. Review status: reviewed by expert panel. Criteria: ENIGMA BRCA1/2 Classification Criteria (2017-06-29). Collection method: curation. Allele origin: germline.
Comment: Variant allele has low bioinformatic likelihood to encode a missense alteration affecting protein function (Missense prior probability 0.02), AND low bioinformatic likelihood to alter mRNA splicing (splicing prior 0.02), AND minor allele frequency 0.00119 (East Asian), derived from gnomAD v2.1.1 non-cancer (2019-05-13).

Labcorp Genetics (formerly Invitae), Labcorp
Classification: Benign for Hereditary breast ovarian cancer syndrome. Last evaluated: 2026-01-06. Review status: criteria provided, single submitter. Criteria: Invitae Variant Classification Sherloc (09022015). Collection method: clinical testing. Allele origin: germline. Not counted in ClinVar's aggregate classification.

PreventionGenetics, part of Exact Sciences
Classification: Likely benign for BRCA1-related condition. Last evaluated: 2025-07-14. Review status: criteria provided, single submitter. Criteria: ACMG Guidelines, 2015. Collection method: clinical testing. Allele origin: germline. Not counted in ClinVar's aggregate classification.
Comment: This variant is classified as likely benign based on ACMG/AMP sequence variant interpretation guidelines (Richards et al. 2015 PMID: 25741868, with internal and published modifications).

All of Us Research Program, National Institutes of Health
Classification: Likely benign for BRCA1-related cancer predisposition. Last evaluated: 2024-03-05. Review status: criteria provided, single submitter. Criteria: ACMG Guidelines, 2015. Collection method: clinical testing. Allele origin: germline. Inheritance: Autosomal dominant inheritance. Observed: 5 variant alleles, 5 heterozygotes. Not counted in ClinVar's aggregate classification.
Comment: This study involves interpretation of variants in research participants for the purpose of population health screening. Participant phenotype was not available at the time of variant classification. Additional details can be found in publication PMID: 35346344, PMCID: PMC8962531

Mendelics
Classification: Benign for Breast-ovarian cancer, familial, susceptibility to, 1. Last evaluated: 2023-08-22. Review status: criteria provided, single submitter. Criteria: Mendelics Assertion Criteria 2019. Collection method: clinical testing. Allele origin: germline. Not counted in ClinVar's aggregate classification.

Quest Diagnostics Nichols Institute San Juan Capistrano
Classification: Benign. Last evaluated: 2023-05-11. Review status: criteria provided, single submitter. Criteria: Quest Diagnostics criteria. Collection method: clinical testing. Allele origin: unknown. Not counted in ClinVar's aggregate classification.

Women's Health and Genetics/Laboratory Corporation of America, LabCorp
Classification: Benign. Last evaluated: 2022-06-23. Review status: criteria provided, single submitter. Criteria: LabCorp Variant Classification Summary - May 2015. Collection method: clinical testing. Allele origin: germline. Not counted in ClinVar's aggregate classification.
Comment: Variant summary: BRCA1 c.3448C>T (p.Pro1150Ser) results in a non-conservative amino acid change in the encoded protein sequence. Four of five in-silico tools predict a damaging effect of the variant on protein function. The variant allele was found at a frequency of 0.0001 in 251790 control chromosomes, predominantly at a frequency of 0.0013 within the East Asian subpopulation in the gnomAD database. The observed variant frequency within East Asian control individuals in the gnomAD database is approximately 1.3 fold of the estimated maximal expected allele frequency for a pathogenic variant in BRCA1 causing Hereditary Breast And Ovarian Cancer Syndrome phenotype (0.001), strongly suggesting that the variant is a benign polymorphism found primarily in populations of East Asian origin. c.3448C>T, has been reported in the literature in individuals affected with Hereditary Breast and Ovarian Cancer, without strong evidence for pathogenicity (example, Haffty_2009, Haiman_2013, Liang_2017). These report(s) do not provide unequivocal conclusions about association of the variant with Hereditary Breast And Ovarian Cancer Syndrome. At-least one co-occurrence with another pathogenic variant(s) have been reported in the UMD database (BRCA1 c.3181delA, p.Ile1061X), providing supporting evidence for a benign role. At least one publication reports experimental evidence evaluating an impact on protein function (example, Lu_2015). The most pronounced variant effect results in approximately 89% of normal homology directed repair (HDR) activity suggestive of a non-significant impact on protein function. Multiple clinical diagnostic laboratories and an expert panel (ENIGMA) have submitted clinical-significance assessments for this variant to ClinVar after 2014 with a predominant consensus as benign/likely benign to include the expert panel. Based on the evidence outlined above, the variant was classified as benign.

Laboratory of Molecular Epidemiology of Birth Defects, West China Second University Hospital, Sichuan University
Classification: Likely pathogenic for Ovarian cancer. Last evaluated: 2022-01-01. Review status: criteria provided, single submitter. Criteria: ACMG Guidelines, 2015. Collection method: clinical testing. Allele origin: germline. Affected: yes. Not counted in ClinVar's aggregate classification.

Sema4
Classification: Likely benign for Hereditary cancer-predisposing syndrome. Last evaluated: 2021-10-22. Review status: criteria provided, single submitter. Criteria: Sema4 Curation Guidelines. Collection method: curation. Allele origin: germline. Not counted in ClinVar's aggregate classification.

Ambry Genetics
Classification: Likely benign for Hereditary cancer-predisposing syndrome. Last evaluated: 2018-06-06. Review status: criteria provided, single submitter. Criteria: Ambry Variant Classification Scheme 2023. Collection method: clinical testing. Allele origin: germline. Not counted in ClinVar's aggregate classification.

GeneDx
Classification: Uncertain significance. Last evaluated: 2017-10-04. Review status: criteria provided, single submitter. Criteria: GeneDx Variant Classification (06012015). Collection method: clinical testing. Allele origin: germline. Affected: yes. Not counted in ClinVar's aggregate classification.
Comment: This variant is denoted BRCA1 c.3448C>T at the cDNA level, p.Pro1150Ser (P1150S) at the protein level, and results in the change of a Proline to a Serine (CCT>TCT). Using alternate nomenclature, this variant has been previously published as BRCA1 3567C>T. This variant was observed in individuals with breast cancer, but was also seen in controls (Katagiri 1996, Tang 1999, Belogianni 2004, Jang 2012, Yoon 2016, Zhong 2016, Li 2017, Ryu 2017). A homologous-directed repair assay demonstrated that this variant results in homologous recombination activity similar to the wildtype protein (Lu 2015). BRCA1 Pro1150Ser was observed at an allele frequency of 0.095% (18/18866) in individuals of East Asian ancestry in large population cohorts (Lek 2016). Since Proline and Serine differ in polarity, charge, size or other properties, this is considered a non-conservative amino acid substitution. BRCA1 Pro1150Ser occurs at a position that is conserved across species and is not located in a known functional domain. In silico analyses predict that this variant is probably damaging to protein structure and function. Based on currently available evidence, it is unclear whether BRCA1 Pro1150Ser is a pathogenic or benign variant. We consider it to be a variant of uncertain significance.